The following is an entry in ClinVar:

ClinVar aggregate classification (germline): Conflicting classifications of pathogenicity. Review status: criteria provided, conflicting classifications (1 of 4 stars). 3 submissions from 3 submitters: Uncertain significance (1); Likely benign (2). Last evaluated 2022-10-28.

Conditions:
Cardiovascular phenotype. Identifiers: MedGen CN230736.
Cardiomyopathy (CMYO). Also called: Cardiomyopathies. Identifiers: Orphanet 167848, MedGen C0878544, MONDO:0004994, HP:0001638. Inheritance: Various modes of inheritance.
Arrhythmogenic right ventricular dysplasia 9 (ARVD9). Also called: Arrhythmogenic Right Ventricular Dysplasia/Cardiomyopathy 9; ARRHYTHMOGENIC RIGHT VENTRICULAR DYSPLASIA, FAMILIAL, 9. Identifiers: MedGen C1836906, MONDO:0012180, OMIM 609040.

Allele frequency attached by ClinVar (database versions not stated): ExAC 0.00001.

Submissions (3):

Labcorp Genetics (formerly Invitae), Labcorp
Classification: Likely benign for Arrhythmogenic right ventricular dysplasia 9. Last evaluated: 2022-10-28. Review status: criteria provided, single submitter. Criteria: Invitae Variant Classification Sherloc (09022015). Collection method: clinical testing. Allele origin: germline.

Ambry Genetics
Classification: Uncertain significance for Cardiovascular phenotype. Last evaluated: 2020-11-12. Review status: criteria provided, single submitter. Criteria: Ambry Variant Classification Scheme 2023. Collection method: clinical testing. Allele origin: germline.
Comment: The c.337-4G>A intronic variant results from a G to A substitution 4 nucleotides upstream from coding exon 3 in the PKP2 gene. This nucleotide position is not well conserved in available vertebrate species. In silico splice site analysis predicts that this alteration will not have any significant effect on splicing. Since supporting evidence is limited at this time, the clinical significance of this alteration remains unclear.

Color Diagnostics, LLC DBA Color Health
Classification: Likely benign for Cardiomyopathy. Last evaluated: 2020-01-24. Review status: criteria provided, single submitter. Criteria: ACMG Guidelines, 2015. Collection method: clinical testing. Allele origin: germline.

NM_001005242.3(PKP2):c.337-4G>A

Gene: PKP2 (plakophilin 2; minus strand). Cytogenetic location: 12p11.21.
Variant type: single nucleotide variant.
Coding change: c.337-4G>A on transcript NM_001005242.3 (MANE Select); 4 bases into the intron before coding-DNA position 337, G replaced by A.
Molecular consequence: intron variant.
Genome position (GRCh38, 1-based): chr12:32,878,547, C>T on the plus strand (G>A on the coding strand, the complement: PKP2 is on the minus strand). VCF-style: chr12-32878547-C-T. GRCh37 (hg19) VCF-style: chr12-33031481-C-T.
Other names: c.337-4G>A (NM_004572.4).
Identifiers: ClinVar variation 920936 (VCV000920936.7), dbSNP rs751175344, ClinGen allele CA036920.